The following is an entry in ClinVar:

ClinVar aggregate classification (germline): Pathogenic/Likely pathogenic. Review status: criteria provided, multiple submitters, no conflicts (2 of 4 stars). 2 submissions from 2 submitters: Pathogenic (1); Likely pathogenic (1). Last evaluated 2024-05-30.

Conditions:
Pulmonary hypertension, neonatal, susceptibility to (PHN). Identifiers: MedGen C3714958, MONDO:0014151, OMIM 615371.
Congenital hyperammonemia, type I. Also called: Carbamoyl phosphate synthetase 1 deficiency; Hyperammonemia due to carbamoyl phosphate synthetase 1 deficiency; CPS 1 deficiency; Carbamyl phosphate synthetase (CPS) deficiency; Carbamoyl-phosphate synthase I deficiency; Carbamoyl phosphate synthetase I deficiency disease. Identifiers: Orphanet 147, MedGen C4082171, MONDO:0009376, OMIM 237300.

Submissions (2):

Fulgent Genetics
Classification: Likely pathogenic for Congenital hyperammonemia, type I; Pulmonary hypertension, neonatal, susceptibility to. Last evaluated: 2024-05-30. Review status: criteria provided, single submitter. Criteria: ACMG Guidelines, 2015. Collection method: clinical testing. Allele origin: germline.

Labcorp Genetics (formerly Invitae), Labcorp
Classification: Pathogenic for Congenital hyperammonemia, type I. Last evaluated: 2023-08-24. Review status: criteria provided, single submitter. Criteria: Invitae Variant Classification Sherloc (09022015). Collection method: clinical testing. Allele origin: germline.
Comment: For these reasons, this variant has been classified as Pathogenic. Algorithms developed to predict the effect of sequence changes on RNA splicing suggest that this variant may disrupt the consensus splice site. This variant has not been reported in the literature in individuals affected with CPS1-related conditions. This variant is not present in population databases (gnomAD no frequency). This sequence change creates a premature translational stop signal (p.His974Metfs*3) in the CPS1 gene. It is expected to result in an absent or disrupted protein product. Loss-of-function variants in CPS1 are known to be pathogenic (PMID: 21120950).

Literature cited by the submitters: PubMed 21120950 (cited by Labcorp Genetics (formerly Invitae), Labcorp).

NM_001875.5(CPS1):c.2920del (p.His974fs)

Gene: CPS1 (carbamoyl-phosphate synthase 1; plus strand). Cytogenetic location: 2q34.
Variant type: Deletion.
Coding change: c.2920del on transcript NM_001875.5 (MANE Select); coding-DNA position 2920, one base deleted (C; older notation c.2920delC).
Protein change: p.His974fs; shifts the reading frame from histidine 974.
Molecular consequence: frameshift variant. On other transcripts: non-coding transcript variant (2).
Genome position (GRCh38, 1-based): chr2:210,640,020, C deleted; the last of 2 consecutive C bases (chr2:210,640,019-210,640,020); deleting either gives the same sequence. VCF-style (leftmost placement, unchanged base first): chr2-210640018-AC-A. GRCh37 (hg19) VCF-style: chr2-211504742-AC-A.
Other names: c.2920del, p.His974fs (NM_001122633.3, NM_001369257.1); c.2953del, p.His985fs (NM_001369256.1); short protein forms H985fs, H974fs.
Identifiers: ClinVar variation 2754971 (VCV002754971.4), dbSNP rs2469268660, ClinGen allele CA2697550408.